The following is an entry in ClinVar:

NM_004698.4(PRPF3):c.1426+4C>T

Gene: PRPF3 (pre-mRNA processing factor 3; plus strand). Cytogenetic location: 1q21.2.
Variant type: single nucleotide variant.
Coding change: c.1426+4C>T on transcript NM_004698.4 (MANE Select); 4 bases into the intron after coding-DNA position 1426, C replaced by T.
Molecular consequence: intron variant.
Genome position (GRCh38, 1-based): chr1:150,343,456, C>T. VCF-style: chr1-150343456-C-T. GRCh37 (hg19) VCF-style: chr1-150315932-C-T.
Other names: c.1021+4C>T (NM_001350529.1).
Identifiers: ClinVar variation 2729801 (VCV002729801.3), dbSNP rs1553872007, ClinGen allele CA526033049.

ClinVar aggregate classification (germline): Uncertain significance (1 of 4 stars; one submission).

Submission:

Labcorp Genetics (formerly Invitae), Labcorp
Classification: Uncertain significance. Last evaluated: 2023-08-03. Review status: criteria provided, single submitter. Criteria: Invitae Variant Classification Sherloc (09022015). Collection method: clinical testing. Allele origin: germline.
Comment: This variant is present in population databases (no rsID available, gnomAD 0.007%). This sequence change falls in intron 10 of the PRPF3 gene. It does not directly change the encoded amino acid sequence of the PRPF3 protein. It affects a nucleotide within the consensus splice site. This variant has not been reported in the literature in individuals affected with PRPF3-related conditions. In summary, the available evidence is currently insufficient to determine the role of this variant in disease. Therefore, it has been classified as a Variant of Uncertain Significance. Variants that disrupt the consensus splice site are a relatively common cause of aberrant splicing (PMID: 17576681, 9536098). Algorithms developed to predict the effect of sequence changes on RNA splicing suggest that this variant is not likely to affect RNA splicing.

Literature cited by the submitters: PubMed 17576681; PubMed 9536098.